The following is an entry in ClinVar:

ClinVar aggregate classification (germline): Conflicting classifications of pathogenicity. Review status: criteria provided, conflicting classifications (1 of 4 stars). 3 submissions from 3 submitters: Likely pathogenic (2); Uncertain significance (1). Last evaluated 2026-04-06.

Conditions:
Intellectual disability-hypotonic facies syndrome, X-linked, 1 (MRXHF1). Also called: XLMR-HYPOTONIC FACIES SYNDROME; Smith Fineman Myers syndrome 1; X-linked intellectual disability-hypotonic face syndrome; CHUDLEY-LOWRY SYNDROME; Chudley syndrome 1; Chudley-Lowry-Hoar syndrome. Identifiers: Orphanet 73220, Orphanet 93970, Orphanet 93971, Orphanet 93972, Orphanet 93973, Orphanet 93974, Orphanet 93975, MedGen C4759781, MONDO:0010663, OMIM 309580.

Submissions (3):

GeneDx
Classification: Likely pathogenic. Last evaluated: 2026-04-06. Review status: criteria provided, single submitter. Criteria: GeneDx Variant Classification Process June 2021. Collection method: clinical testing. Allele origin: germline.
Comment: Not observed at significant frequency in large population cohorts (gnomAD); In silico analysis suggests that this missense variant does not alter protein structure/function; This variant is associated with the following publications: (PMID: 18409179, 28397838)

Revvity Omics, Revvity
Classification: Uncertain significance. Last evaluated: 2023-09-28. Review status: criteria provided, single submitter. Criteria: ACMG Guidelines, 2015. Collection method: clinical testing. Allele origin: germline.

Greenwood Genetic Center Diagnostic Laboratories, Greenwood Genetic Center
Classification: Likely pathogenic for Intellectual disability-hypotonic facies syndrome, X-linked, 1. Last evaluated: 2023-06-29. Review status: criteria provided, single submitter. Criteria: ACMG Guidelines, 2015. Collection method: clinical testing. Allele origin: germline. Affected: yes.
Comment: PS2, PM2

NM_000489.6(ATRX):c.671C>T (p.Ala224Val)

Gene: ATRX (ATRX chromatin remodeler; minus strand). Cytogenetic location: Xq21.1.
Variant type: single nucleotide variant.
Coding change: c.671C>T on transcript NM_000489.6 (MANE Select); coding-DNA position 671, C replaced by T.
Protein change: p.Ala224Val; replaces alanine 224 with valine.
Molecular consequence: missense variant.
Genome position (GRCh38, 1-based): chrX:77,684,585, G>A on the plus strand (C>T on the coding strand, the complement: ATRX is on the minus strand). VCF-style: chrX-77684585-G-A. GRCh37 (hg19) VCF-style: chrX-76940077-G-A.
Other names: c.557C>T, p.Ala186Val (NM_138270.5); c.671C>T (NM_000489.3); short protein forms A186V, A224V.
Identifiers: ClinVar variation 2572305 (VCV002572305.4), dbSNP rs2520029962, ClinGen allele CA413720933.